The following is an entry in ClinVar:

NM_000465.4(BARD1):c.66del (p.Ala23fs)

Gene: BARD1 (BRCA1 associated RING domain 1; minus strand). Cytogenetic location: 2q35.
Variant type: Deletion.
Coding change: c.66del on transcript NM_000465.4 (MANE Select); coding-DNA position 66, one base deleted (C; older notation c.66delC).
Protein change: p.Ala23fs; shifts the reading frame from alanine 23.
Molecular consequence: frameshift variant. On other transcripts: non-coding transcript variant (3).
Genome position (GRCh38, 1-based): chr2:214,809,504, G deleted on the plus strand (C on the coding strand, the reverse complement: BARD1 is on the minus strand); the first of 2 consecutive G bases (chr2:214,809,504-214,809,505); deleting either gives the same sequence. VCF-style (leftmost placement, unchanged base first): chr2-214809503-CG-C. GRCh37 (hg19) VCF-style: chr2-215674227-CG-C.
Other names: c.66del, p.Ala23fs (NM_001282543.2, NM_001282545.2, NM_001282548.2 and 1 more transcripts); short protein forms A23fs.
Identifiers: ClinVar variation 1754974 (VCV001754974.3), dbSNP rs2469639309, ClinGen allele CA2580065619.

ClinVar aggregate classification (germline): Pathogenic (1 of 4 stars; one submission).

Conditions:
Hereditary cancer-predisposing syndrome. Also called: Neoplastic Syndromes, Hereditary; Tumor predisposition; Hereditary Cancer Syndrome; Hereditary neoplastic syndrome. Identifiers: Orphanet 140162, MedGen C0027672, MeSH D009386, MONDO:0015356.

Submission:

Ambry Genetics
Classification: Pathogenic for Hereditary cancer-predisposing syndrome. Last evaluated: 2024-06-27. Review status: criteria provided, single submitter. Criteria: Ambry Variant Classification Scheme 2023. Collection method: clinical testing. Allele origin: germline.
Comment: The c.66delC pathogenic mutation, located in coding exon 1 of the BARD1 gene, results from a deletion of one nucleotide at nucleotide position 66, causing a translational frameshift with a predicted alternate stop codon (p.A23Rfs*35). This variant is considered to be rare based on population cohorts in the Genome Aggregation Database (gnomAD). This alteration is expected to result in loss of function by premature protein truncation or nonsense-mediated mRNA decay. As such, this alteration is interpreted as a disease-causing mutation.